The following is an entry in ClinVar:

ClinVar aggregate classification (germline): Pathogenic. Review status: reviewed by expert panel (3 of 4 stars). 12 submissions from 12 submitters: Pathogenic (1). 11 of the submissions do not count toward it. Last evaluated 2021-11-30.

Conditions:
Hypertrophic cardiomyopathy 1 (CMH1). Also called: Familial hypertrophic cardiomyopathy 1; MYH7-Related Familial Hypertrophic Cardiomyopathy. Identifiers: MedGen C3495498, MONDO:0008647, OMIM 192600.
Primary familial hypertrophic cardiomyopathy (HCM). Identifiers: Orphanet 99739, MedGen C0949658, MeSH D024741, MONDO:0024573. Inheritance: Various modes of inheritance.
Hypertrophic cardiomyopathy. Also called: HYPERTROPHIC MYOCARDIOPATHY. Identifiers: Orphanet 217569, MedGen C0007194, MeSH D002312, MONDO:0005045, HP:0001639.
Cardiovascular phenotype. Identifiers: MedGen CN230736.
Cardiomyopathy (CMYO). Also called: Cardiomyopathies. Identifiers: Orphanet 167848, MedGen C0878544, MONDO:0004994, HP:0001638. Inheritance: Various modes of inheritance.
MYH7-related disorder. Also called: MYH7-related condition; MYH7-related disease; MYH7-related disorders.

Allele frequency attached by ClinVar (database versions not stated): gnomAD exomes below 0.00001.
gnomAD v4.1: 2 of 1,614,202 alleles (0.00012%); highest among the groups gnomAD compares: Non-Finnish European, 0.00017%; no homozygotes.

Submissions 1 to 5 of 12:

ClinGen Cardiomyopathy Variant Curation Expert Panel
Classification: Pathogenic for Hypertrophic cardiomyopathy. Last evaluated: 2021-11-30. Review status: reviewed by expert panel. Criteria: ClinGen CMP ACMG Specifications v1. Collection method: curation. Allele origin: germline. Inheritance: Autosomal dominant inheritance.
Comment: The NM_000257.4(MYH7):c.2539A>G (p.Lys847Glu) variant has been identified in >50 individuals with HCM (PS4; Atiga 2000 PMID:10725281; Kaski 2009 PMID:20031618; Aletras 2011 PMID:21576279; Leung 2013 PMID:23271734; Nunez 2013 PMID:23782526; Homburger 2016 PMID:27247418; Walsh 2017 PMID:27532257; Ross 2017 PMID:28615295; Ambry pers. comm.; CHEO pers. comm.; GeneDx pers. comm.; Invitae pers. comm.; LMM pers. comm.; OMGL pers. comm.; Agnes Ginges Centre for Molecular Cardiology, Centenary Institute pers. comm.). This variant segregated with disease in 7 affected individuals with HCM in 5 families (PP1_Strong; Ross 2017 PMID:28615295; Invitae pers. comm.; OMGL pers. comm.). This variant was absent from large population studies (PM2; gnomAD v2.1.1). This variant lies in the head region of the protein (aa 181-937) and missense variants in this region are statistically more likely to be associated with HCM (PM1; Walsh 2017 PMID:27532257). Computational prediction tools and conservation analysis do not provide evidence for or against an impact to the protein. In summary, this variant meets criteria to be classified as pathogenic for hypertrophic cardiomyopathy in an autosomal dominant manner. MYH7-specific ACMG/AMP criteria applied (Kelly 2018 PMID:29300372): PS4, PP1_Strong, PM2, PM1.

Labcorp Genetics (formerly Invitae), Labcorp
Classification: Pathogenic for Hypertrophic cardiomyopathy. Last evaluated: 2025-12-31. Review status: criteria provided, single submitter. Criteria: Invitae Variant Classification Sherloc (09022015). Collection method: clinical testing. Allele origin: germline. Not counted in ClinVar's aggregate classification.
Comment: This sequence change replaces lysine, which is basic and polar, with glutamic acid, which is acidic and polar, at codon 847 of the MYH7 protein (p.Lys847Glu). This variant is not present in population databases (gnomAD no frequency). This missense change has been observed in individuals with autosomal dominant hypertrophic cardiomyopathy (PMID: 20031618, 22857948, 23782526, 27247418, 27532257, 28615295). ClinVar contains an entry for this variant (Variation ID: 177757). Invitae Evidence Modeling of protein sequence and biophysical properties (such as structural, functional, and spatial information, amino acid conservation, physicochemical variation, residue mobility, and thermodynamic stability) indicates that this missense variant is expected to disrupt MYH7 protein function with a positive predictive value of 95%. For these reasons, this variant has been classified as Pathogenic.

ARUP Laboratories, Molecular Genetics and Genomics, ARUP Laboratories
Classification: Pathogenic. Last evaluated: 2025-06-10. Review status: criteria provided, single submitter. Criteria: ARUP Molecular Germline Variant Investigation Process 2024. Collection method: clinical testing. Allele origin: germline. Not counted in ClinVar's aggregate classification.
Comment: The MYH7 c.2539A>G; p.Lys847Glu variant (rs727504310, ClinVar Variation ID: 177757) is reported in the literature in several individuals affected with hypertrophic cardiomyopathy (selected references: Atiga 2000, Hathaway 2021, Kaski 2009, Ross 2017, Walsh 2017, Weissler-Snir 2017). This variant is absent from the Genome Aggregation Database (v2.1.1), indicating it is not a common polymorphism. Computational analyses predict that this variant is deleterious (REVEL: 0.75). Based on available information, this variant is considered to be pathogenic. References: Atiga WL et al. Temporal repolarization lability in hypertrophic cardiomyopathy caused by beta-myosin heavy-chain gene mutations. Circulation. 2000 Mar 21;101(11):1237-42. PMID: 10725281. Hathaway J et al. Diagnostic yield of genetic testing in a heterogeneous cohort of 1376 HCM patients. BMC Cardiovasc Disord. 2021 Mar 5;21(1):126. PMID: 33673806. Kaski JP et al. Prevalence of sarcomere protein gene mutations in preadolescent children with hypertrophic cardiomyopathy. Circ Cardiovasc Genet. 2009 Oct;2(5):436-41. PMID: 20031618. Ross SB et al. Burden of Recurrent and Ancestral Mutations in Families With Hypertrophic Cardiomyopathy. Circ Cardiovasc Genet. 2017 Jun;10(3):e001671. PMID: 28615295. Walsh R et al. Reassessment of Mendelian gene pathogenicity using 7,855 cardiomyopathy cases and 60,706 reference samples. Genet Med. 2017 Feb;19(2):192-203. PMID: 27532257. Weissler-Snir A et al. Lack of Phenotypic Differences by Cardiovascular Magnetic Resonance Imaging in MYH7 (ÃŸ-Myosin Heavy Chain)- Versus MYBPC3 (Myosin-Binding Protein C)-Related Hypertrophic Cardiomyopathy. Circ Cardiovasc Imaging. 2017 Feb;10(2):e005311. PMID: 28193612.

Victorian Clinical Genetics Services, Murdoch Childrens Research Institute
Classification: Pathogenic for Hypertrophic cardiomyopathy 1. Last evaluated: 2025-03-02. Review status: criteria provided, single submitter. Criteria: ACMG Guidelines, 2015. Collection method: clinical testing. Allele origin: germline. Affected: yes. Not counted in ClinVar's aggregate classification.
Comment: This variant is classified as Pathogenic. Evidence in support of pathogenic classification: Variant is present in gnomAD <0.01 (v4: 2 heterozygote(s), 0 homozygote(s)); This variant has very strong previous evidence of pathogenicity in unrelated individuals. This variant has been classified as likely pathogenic and pathogenic by clinical laboratories in ClinVar and regarded as pathogenic for hypertrophic cardiomyopathy (HCM) by the ClinGen Cardiomyopathy Variant Curation Expert Panel (ClinVar); Variant is located in a hotspot region or cluster of pathogenic variants. This variant is found within the head region, which is enriched with pathogenic missense variants (PMID: 29300372). Additional information: Variant is predicted to result in a missense amino acid change from lysine to glutamic acid; This variant is heterozygous; This gene is associated with both recessive and dominant disease. Disease associated with this gene usually has autosomal dominant inheritance; however, a recessive inheritance pattern has been observed in severe cases (OMIM). - Alternative amino acid change(s) at the same position are present in gnomAD v4 (2 heterozygote(s), 0 homozygote(s)); The mechanism of disease for this gene is not clearly established; however, missense variants have been proposed to act in a dominant negative manner (PMID: 24714796); The condition associated with this gene has incomplete penetrance (PMID: 29300372). - Inheritance information for this variant is not currently available in this individual.

Ambry Genetics
Classification: Pathogenic for Cardiovascular phenotype. Last evaluated: 2024-12-12. Review status: criteria provided, single submitter. Criteria: Ambry Variant Classification Scheme 2023. Collection method: clinical testing. Allele origin: germline. Not counted in ClinVar's aggregate classification.
Comment: The p.K847E pathogenic mutation (also known as c.2539A>G), located in coding exon 20 of the MYH7 gene, results from an A to G substitution at nucleotide position 2539. The lysine at codon 847 is replaced by glutamic acid, an amino acid with similar properties. This alteration is located in the myosin head domain, which contains a statistically significant clustering of pathogenic missense variants (Homburger JR et al. Proc Natl Acad Sci U S A, 2016 06;113:6701-6; Walsh R et al. Genet Med, 2017 02;19:192-203; Ambry internal data). This variant was reported in individual(s) with features consistent with hypertrophic cardiomyopathy (Atiga WL et al. Circulation. 2000 Mar;101(11):1237-42; Kaski JP et al. Circ Cardiovasc Genet. 2009 Oct;2(5):436-41; N&uacute;&ntilde;ez L et al. Circ J. 2013 Jun;77(9):2358-65; Lopes LR. Heart et al. 2015 Feb;101(4):294-301; Homburger JR et al. Proc Natl Acad Sci USA. 2016 06;113(24):6701-6; Walsh R et al. Genet Med. 2017 Feb;19(2):192-203; Kelly MA. Genet Med. 2018 03;20(3):351-359; Hathaway J et al. BMC Cardiovasc Disord. 2021 03;21(1):126). This amino acid position is highly conserved in available vertebrate species. In addition, this alteration is predicted to be deleterious by in silico analysis. This variant is considered to be rare based on population cohorts in the Genome Aggregation Database (gnomAD). Based on the supporting evidence, this alteration is interpreted as a disease-causing mutation.

NM_000257.4(MYH7):c.2539A>G (p.Lys847Glu)

Genes: MYH7 (myosin heavy chain 7; minus strand), LOC126861898 (BRD4-independent group 4 enhancer GRCh37_chr14:23893609-23894808; plus strand). Cytogenetic location: 14q11.2.
Variant type: single nucleotide variant.
Coding change: c.2539A>G on transcript NM_000257.4 (MANE Select); coding-DNA position 2539, A replaced by G.
Protein change: p.Lys847Glu; replaces lysine 847 with glutamic acid.
Molecular consequence: missense variant.
Genome position (GRCh38, 1-based): chr14:23,424,909, T>C on the plus strand (A>G on the coding strand, the complement: MYH7 is on the minus strand). VCF-style: chr14-23424909-T-C. GRCh37 (hg19) VCF-style: chr14-23894118-T-C.
Other names: NM_000257.3(MYH7):c.2539A>G; short protein forms K847E.
Identifiers: ClinVar variation 177757 (VCV000177757.32), dbSNP rs727504310, ClinGen allele CA012578.